The following is an entry in ClinVar:

NM_152281.3(GORAB):c.62-2A>C

Gene: GORAB (golgin, RAB6 interacting; plus strand). Cytogenetic location: 1q24.2.
Variant type: single nucleotide variant.
Coding change: c.62-2A>C on transcript NM_152281.3 (MANE Select); the canonical splice acceptor site of the intron before coding-DNA position 62, A replaced by C.
Molecular consequence: splice acceptor variant.
Genome position (GRCh38, 1-based): chr1:170,539,208, A>C. VCF-style: chr1-170539208-A-C. GRCh37 (hg19) VCF-style: chr1-170508349-A-C.
Other names: c.-404-2A>C (NM_001320252.2); c.11-2A>C (NM_001410894.1); c.62-2A>C (NM_001146039.2).
Identifiers: ClinVar variation 3654559 (VCV003654559.2).

ClinVar aggregate classification (germline): Likely pathogenic (1 of 4 stars; one submission).

gnomAD v4.1: 3 of 1,614,080 alleles (0.00019%); no homozygotes.

Submission:

Labcorp Genetics (formerly Invitae), Labcorp
Classification: Likely pathogenic. Last evaluated: 2024-05-25. Review status: criteria provided, single submitter. Criteria: Invitae Variant Classification Sherloc (09022015). Collection method: clinical testing. Allele origin: germline.
Comment: This sequence change affects an acceptor splice site in intron 1 of the GORAB gene. It is expected to disrupt RNA splicing. Variants that disrupt the donor or acceptor splice site typically lead to a loss of protein function (PMID: 16199547), and loss-of-function variants in GORAB are known to be pathogenic (PMID: 18997784, 19681135). This variant is present in population databases (no rsID available, gnomAD 0.004%). This variant has not been reported in the literature in individuals affected with GORAB-related conditions. Algorithms developed to predict the effect of sequence changes on RNA splicing suggest that this variant may disrupt the consensus splice site. In summary, the currently available evidence indicates that the variant is pathogenic, but additional data are needed to prove that conclusively. Therefore, this variant has been classified as Likely Pathogenic.

Literature cited by the submitters: PubMed 16199547; PubMed 18997784; PubMed 19681135.